The following is an entry in ClinVar:

NM_006231.4(POLE):c.1926C>T (p.Pro642=)

Gene: POLE (DNA polymerase epsilon, catalytic subunit; minus strand). Cytogenetic location: 12q24.33.
Variant type: single nucleotide variant.
Coding change: c.1926C>T on transcript NM_006231.4 (MANE Select); coding-DNA position 1926, C replaced by T.
Protein change: p.Pro642=; no amino-acid change (proline 642 retained).
Molecular consequence: synonymous variant.
Genome position (GRCh38, 1-based): chr12:132,668,735, G>A on the plus strand (C>T on the coding strand, the complement: POLE is on the minus strand). VCF-style: chr12-132668735-G-A. GRCh37 (hg19) VCF-style: chr12-133245321-G-A.
Identifiers: ClinVar variation 389459 (VCV000389459.19), dbSNP rs779747873, ClinGen allele CA6893753.

ClinVar aggregate classification (germline): Likely benign. Review status: criteria provided, multiple submitters, no conflicts (2 of 4 stars). 5 submissions from 5 submitters: Likely benign (5). Last evaluated 2025-05-27.

Conditions:
Hereditary cancer-predisposing syndrome. Also called: Hereditary Cancer Syndrome; Hereditary neoplastic syndrome; Neoplastic Syndromes, Hereditary; Tumor predisposition. Identifiers: Orphanet 140162, MedGen C0027672, MeSH D009386, MONDO:0015356.

Allele frequency attached by ClinVar (database versions not stated): TOPMed below 0.00001; ExAC 0.00001; gnomAD 0.00001; gnomAD exomes 0.00001.
gnomAD v4.1: 12 of 1,613,842 alleles (0.00074%); highest among the groups gnomAD compares: Non-Finnish European, 0.001%; no homozygotes.

Submissions (5):

Labcorp Genetics (formerly Invitae), Labcorp
Classification: Likely benign. Last evaluated: 2025-05-27. Review status: criteria provided, single submitter. Criteria: Invitae Variant Classification Sherloc (09022015). Collection method: clinical testing. Allele origin: germline.

Sema4
Classification: Likely benign for Hereditary cancer-predisposing syndrome. Last evaluated: 2021-04-16. Review status: criteria provided, single submitter. Criteria: Sema4 Curation Guidelines. Collection method: curation. Allele origin: germline.

Quest Diagnostics Nichols Institute San Juan Capistrano
Classification: Likely benign. Last evaluated: 2018-06-20. Review status: criteria provided, single submitter. Criteria: Quest Diagnostics criteria. Collection method: clinical testing. Allele origin: germline.

Ambry Genetics
Classification: Likely benign for Hereditary cancer-predisposing syndrome. Last evaluated: 2016-10-11. Review status: criteria provided, single submitter. Criteria: Ambry Variant Classification Scheme 2023. Collection method: clinical testing. Allele origin: germline.

GeneDx
Classification: Likely benign. Last evaluated: 2016-09-23. Review status: criteria provided, single submitter. Criteria: GeneDx Variant Classification (06012015). Collection method: clinical testing. Allele origin: germline. Affected: yes.
Comment: This variant is considered likely benign or benign based on one or more of the following criteria: it is a conservative change, it occurs at a poorly conserved position in the protein, it is predicted to be benign by multiple in silico algorithms, and/or has population frequency not consistent with disease.